The following is an entry in ClinVar:

ClinVar aggregate classification (germline): Uncertain significance (1 of 4 stars; one submission).

gnomAD v4.1: 9 of 1,608,044 alleles (0.00056%); highest among the groups gnomAD compares: Non-Finnish European, 0.00077%; no homozygotes.

Submission:

Labcorp Genetics (formerly Invitae), Labcorp
Classification: Uncertain significance. Last evaluated: 2022-05-13. Review status: criteria provided, single submitter. Criteria: Invitae Variant Classification Sherloc (09022015). Collection method: clinical testing. Allele origin: germline.
Comment: This sequence change replaces alanine, which is neutral and non-polar, with aspartic acid, which is acidic and polar, at codon 517 of the SCP2 protein (p.Ala517Asp). This variant is not present in population databases (gnomAD no frequency). This variant has not been reported in the literature in individuals affected with SCP2-related conditions. Algorithms developed to predict the effect of missense changes on protein structure and function are either unavailable or do not agree on the potential impact of this missense change (SIFT: "Deleterious"; PolyPhen-2: "Probably Damaging"; Align-GVGD: "Class C0"). In summary, the available evidence is currently insufficient to determine the role of this variant in disease. Therefore, it has been classified as a Variant of Uncertain Significance.

NM_002979.5(SCP2):c.1550C>A (p.Ala517Asp)

Gene: SCP2 (sterol carrier protein 2; plus strand). Cytogenetic location: 1p32.3.
Variant type: single nucleotide variant.
Coding change: c.1550C>A on transcript NM_002979.5 (MANE Select); coding-DNA position 1550, C replaced by A.
Protein change: p.Ala517Asp; replaces alanine 517 with aspartic acid.
Molecular consequence: missense variant. On other transcripts: 3 prime UTR variant (1).
Genome position (GRCh38, 1-based): chr1:53,050,610, C>A. VCF-style: chr1-53050610-C-A. GRCh37 (hg19) VCF-style: chr1-53516282-C-A.
Other names: c.338C>A, p.Ala113Asp (NM_001007099.3); c.329C>A, p.Ala110Asp (NM_001007100.3); c.*28C>A (NM_001007250.3); c.1478C>A, p.Ala493Asp (NM_001193599.2); c.1418C>A, p.Ala473Asp (NM_001193600.2); c.1307C>A, p.Ala436Asp (NM_001193617.2); short protein forms A436D, A473D, A517D, A113D, A493D, A110D.
Identifiers: ClinVar variation 2090240 (VCV002090240.2), dbSNP rs1187804732, ClinGen allele CA340382812.
Genomic context (GRCh38, chr1:53,050,610, plus strand): 5'-ACATCAGCAATCTTAAAACAAAAAAACACCAAGTAATGAATTTTCTTTCTTCTTCACAGG[C>A]CTTCTTTCAAGGCAAATTGAAAATCACTGGCAACATGGGTCTCGCTATGAAGTTACAAAA-3'
Protein context (NP_002970.2, residues 507-527): LMTGKMNPQS[Ala517Asp]FFQGKLKITG